The following is an entry in ClinVar:

NM_176787.5(PIGN):c.505C>T (p.Gln169Ter)

Gene: PIGN (phosphatidylinositol glycan anchor biosynthesis class N; minus strand). Cytogenetic location: 18q21.33.
Variant type: single nucleotide variant.
Coding change: c.505C>T on transcript NM_176787.5 (MANE Select); coding-DNA position 505, C replaced by T.
Protein change: p.Gln169Ter; replaces glutamine 169 with a stop codon.
Molecular consequence: nonsense.
Genome position (GRCh38, 1-based): chr18:62,154,589, G>A on the plus strand (C>T on the coding strand, the complement: PIGN is on the minus strand). VCF-style: chr18-62154589-G-A. GRCh37 (hg19) VCF-style: chr18-59821822-G-A.
Other names: c.505C>T, p.Gln169Ter (NM_012327.6); short protein forms Q169*.
Identifiers: ClinVar variation 944243 (VCV000944243.8), dbSNP rs369966550, ClinGen allele CA8982566.
Genomic context (GRCh38, chr18:62,154,589, plus strand): 5'-ACTCAATAGCACAAACCTTAACATTATCAAAAACCCACGTATCCAGTTTTGTTGCATCTT[G>A]AGCACCAAAATCCTCTCTTTTAGCATCATAACTATATGTATAAACGTGGTCTCCACTAGC-3'

ClinVar aggregate classification (germline): Pathogenic. Review status: criteria provided, multiple submitters, no conflicts (2 of 4 stars). 2 submissions from 2 submitters: Pathogenic (2). Last evaluated 2025-10-27.

Conditions:
Multiple congenital anomalies-hypotonia-seizures syndrome 1 (MCAHS1). Also called: GLYCOSYLPHOSPHATIDYLINOSITOL BIOSYNTHESIS DEFECT 3; PIGN-CDG; Congenital disorder of glycosylation due to PIGN deficiency. Identifiers: Orphanet 280633, MedGen C3279775, MONDO:0013563, OMIM 614080.

Allele frequency attached by ClinVar (database versions not stated): gnomAD 0.00001; gnomAD exomes 0.00002; TOPMed 0.00002; ExAC 0.00003; ESP Exome Variant Server 0.00008.
gnomAD v4.1: 15 of 1,594,766 alleles (0.00094%); highest among the groups gnomAD compares: Non-Finnish European, 0.00069%; no homozygotes.

Submissions (2):

Labcorp Genetics (formerly Invitae), Labcorp
Classification: Pathogenic for Multiple congenital anomalies-hypotonia-seizures syndrome 1. Last evaluated: 2025-10-27. Review status: criteria provided, single submitter. Criteria: Invitae Variant Classification Sherloc (09022015). Collection method: clinical testing. Allele origin: germline.
Comment: This sequence change creates a premature translational stop signal (p.Gln169*) in the PIGN gene. It is expected to result in an absent or disrupted protein product. Loss-of-function variants in PIGN are known to be pathogenic (PMID: 24253414, 27038415). This variant is present in population databases (rs369966550, gnomAD 0.005%). This variant has not been reported in the literature in individuals affected with PIGN-related conditions. ClinVar contains an entry for this variant (Variation ID: 944243). Algorithms developed to predict the effect of sequence changes on RNA splicing suggest that this variant may disrupt the consensus splice site. For these reasons, this variant has been classified as Pathogenic.

Daryl Scott Lab, Baylor College of Medicine
Classification: Pathogenic for Multiple congenital anomalies-hypotonia-seizures syndrome 1. Last evaluated: 2025-08-25. Review status: criteria provided, single submitter. Criteria: ACMG Guidelines, 2015. Collection method: clinical testing. Allele origin: maternal. Affected: yes. Observed: 1 heterozygote.
Comment: PVS1, PM2

Literature cited by the submitters: PubMed 24253414 (cited by Labcorp Genetics (formerly Invitae), Labcorp); PubMed 27038415 (cited by Labcorp Genetics (formerly Invitae), Labcorp).